The following is an entry in ClinVar:

ClinVar aggregate classification (germline): Uncertain significance. Review status: criteria provided, multiple submitters, no conflicts (2 of 4 stars). 2 submissions from 2 submitters: Uncertain significance (2). Last evaluated 2024-04-01.

Conditions:
Methylmalonic acidemia with homocystinuria, type cblX (MAHCX). Also called: INTELLECTUAL DEVELOPMENTAL DISORDER, X-LINKED 3. Identifiers: Orphanet 369962, MedGen C0796208, MONDO:0010657, OMIM 309541.

Allele frequency attached by ClinVar (database versions not stated): gnomAD 0.00001; gnomAD exomes 0.00001 and 0.00004; TOPMed 0.00002.
gnomAD v4.1: 42 of 1,205,478 alleles (0.0035%); highest among the groups gnomAD compares: East Asian, 0.006%; no homozygotes.

Submissions (2):

Daryl Scott Lab, Baylor College of Medicine
Classification: Uncertain significance for Methylmalonic acidemia with homocystinuria, type cblX. Last evaluated: 2024-04-01. Review status: criteria provided, single submitter. Criteria: ACMG Guidelines, 2015. Collection method: clinical testing. Allele origin: maternal. Observed: 1 hemizygote.
Comment: BP4

Labcorp Genetics (formerly Invitae), Labcorp
Classification: Uncertain significance for Methylmalonic acidemia with homocystinuria, type cblX. Last evaluated: 2021-09-02. Review status: criteria provided, single submitter. Criteria: Invitae Variant Classification Sherloc (09022015). Collection method: clinical testing. Allele origin: germline.
Comment: This sequence change replaces arginine with tryptophan at codon 1137 of the HCFC1 protein (p.Arg1137Trp). The arginine residue is moderately conserved and there is a moderate physicochemical difference between arginine and tryptophan. This variant is not present in population databases (ExAC no frequency). This variant has not been reported in the literature in individuals affected with HCFC1-related conditions. Algorithms developed to predict the effect of missense changes on protein structure and function are either unavailable or do not agree on the potential impact of this missense change (SIFT: "Deleterious"; PolyPhen-2: "Benign"; Align-GVGD: "Class C0"). In summary, the available evidence is currently insufficient to determine the role of this variant in disease. Therefore, it has been classified as a Variant of Uncertain Significance.

NM_005334.3(HCFC1):c.3409C>T (p.Arg1137Trp)

Gene: HCFC1 (host cell factor C1; minus strand). Cytogenetic location: Xq28.
Variant type: single nucleotide variant.
Coding change: c.3409C>T on transcript NM_005334.3 (MANE Select); coding-DNA position 3409, C replaced by T.
Protein change: p.Arg1137Trp; replaces arginine 1137 with tryptophan.
Molecular consequence: missense variant.
Genome position (GRCh38, 1-based): chrX:153,954,990, G>A on the plus strand (C>T on the coding strand, the complement: HCFC1 is on the minus strand). VCF-style: chrX-153954990-G-A. GRCh37 (hg19) VCF-style: chrX-153220441-G-A.
Other names: short protein forms R1137W.
Identifiers: ClinVar variation 858370 (VCV000858370.8), dbSNP rs1043389387, ClinGen allele CA337253842.